The following is an entry in ClinVar:

ClinVar aggregate classification (germline): Uncertain significance (1 of 4 stars; one submission).

Conditions:
Cardiovascular phenotype. Identifiers: MedGen CN230736.

Submission:

Ambry Genetics
Classification: Uncertain significance for Cardiovascular phenotype. Last evaluated: 2022-07-06. Review status: criteria provided, single submitter. Criteria: Ambry Variant Classification Scheme 2023. Collection method: clinical testing. Allele origin: germline.
Comment: The p.E2985K variant (also known as c.8953G>A), located in coding exon 38 of the ANK2 gene, results from a G to A substitution at nucleotide position 8953. The glutamic acid at codon 2985 is replaced by lysine, an amino acid with similar properties. This amino acid position is conserved. In addition, this alteration is predicted to be tolerated by in silico analysis. Since supporting evidence is limited at this time, the clinical significance of this alteration remains unclear.

NM_001148.6(ANK2):c.8953G>A (p.Glu2985Lys)

Gene: ANK2 (ankyrin 2; plus strand). Cytogenetic location: 4q26.
Variant type: single nucleotide variant.
Coding change: c.8953G>A on transcript NM_001148.6 (MANE Select); coding-DNA position 8953, G replaced by A.
Protein change: p.Glu2985Lys; replaces glutamic acid 2985 with lysine.
Molecular consequence: missense variant. On other transcripts: intron variant (68).
Genome position (GRCh38, 1-based): chr4:113,357,571, G>A. VCF-style: chr4-113357571-G-A. GRCh37 (hg19) VCF-style: chr4-114278727-G-A.
Other names: c.4400-3252G>A (NM_001127493.3); c.4364-3252G>A (NM_001386143.1, NM_001354243.2, NM_001354255.2); c.4265-3252G>A (NM_001354262.2, NM_001354275.2, NM_001354245.2); c.4202-3252G>A (NM_001354253.2, NM_001354270.2); c.4166-3252G>A (NM_001354257.2, NM_001386156.1); c.4241-3252G>A (NM_001354249.2, NM_001354266.2, NM_001354276.2 and 2 more transcripts); c.4208-3252G>A (NM_001386146.1, NM_001386150.1, NM_001386149.1 and 1 more transcripts); c.8719G>A, p.Glu2907Lys (NM_001386142.1); and 35 more; short protein forms E1785K, E3032K, E2985K, E2907K, E3024K.
Identifiers: ClinVar variation 1765237 (VCV001765237.2), dbSNP rs2505910173, ClinGen allele CA357935976.
Genomic context (GRCh38, chr4:113,357,571, plus strand): 5'-ACATCCCCTGTTGAAGACGTTGTAGTGGCAAGCTCCTCTAGTGGAACTGTTTTAAGCAAA[G>A]AATCTAATTTTGAGGGCCAGGACATAAAAATGGAATCCCAACAGGAAAGTACCTTGTGGG-3'
Protein context (NP_001139.3, residues 2975-2995): SSSSGTVLSK[Glu2985Lys]SNFEGQDIKM